The following is an entry in ClinVar:

ClinVar aggregate classification (germline): Benign (1 of 4 stars; one submission).

gnomAD v4.1: 3,754 of 1,612,018 alleles (0.23%); highest among the groups gnomAD compares: Middle Eastern, 0.83%; 6 homozygotes.

Submission:

CeGaT Center for Human Genetics Tuebingen
Classification: Benign. Last evaluated: 2025-08-01. Review status: criteria provided, single submitter. Criteria: CeGaT Center For Human Genetics Tuebingen Variant Classification Criteria Version 2. Collection method: clinical testing. Allele origin: germline. Affected: yes. Observed: 1 variant allele.
Comment: FAM222B: BP4, BS1, BS2

NM_001077498.3(FAM222B):c.979A>G (p.Met327Val)

Gene: FAM222B (family with sequence similarity 222 member B; minus strand). Cytogenetic location: 17q11.2.
Variant type: single nucleotide variant.
Coding change: c.979A>G on transcript NM_001077498.3 (MANE Select); coding-DNA position 979, A replaced by G.
Protein change: p.Met327Val; replaces methionine 327 with valine.
Molecular consequence: missense variant.
Genome position (GRCh38, 1-based): chr17:28,758,980, T>C on the plus strand (A>G on the coding strand, the complement: FAM222B is on the minus strand). VCF-style: chr17-28758980-T-C. GRCh37 (hg19) VCF-style: chr17-27085998-T-C.
Other names: c.985A>G, p.Met329Val (NM_001288631.2); c.979A>G, p.Met327Val (NM_001288632.2, NM_001288633.2, NM_001288634.2 and 2 more transcripts); c.595A>G, p.Met199Val (NM_001288636.2, NM_001288637.2, NM_001288638.2 and 2 more transcripts); short protein forms M199V, M327V, M329V.
Identifiers: ClinVar variation 4083656 (VCV004083656.8).